The following is an entry in ClinVar:

ClinVar aggregate classification (germline): Uncertain significance (1 of 4 stars; one submission).

Conditions:
MHC class I deficiency. Identifiers: Orphanet 34592, MedGen C6024714, MONDO:0011476.

Allele frequency attached by ClinVar (database versions not stated): gnomAD exomes below 0.00001; TOPMed 0.00001; ExAC 0.00002; gnomAD 0.00002; ESP Exome Variant Server 0.00012; 1000 Genomes Project 30x 0.00016; 1000 Genomes Project 0.00020.
gnomAD v4.1: 8 of 1,613,050 alleles (0.0005%); highest among the groups gnomAD compares: East Asian, 0.0045%; no homozygotes.

Submission:

Labcorp Genetics (formerly Invitae), Labcorp
Classification: Uncertain significance for MHC class I deficiency 1. Last evaluated: 2022-07-26. Review status: criteria provided, single submitter. Criteria: Invitae Variant Classification Sherloc (09022015). Collection method: clinical testing. Allele origin: germline.
Comment: This variant is present in population databases (rs145822869, gnomAD 0.01%). This sequence change replaces serine, which is neutral and polar, with leucine, which is neutral and non-polar, at codon 289 of the TAP2 protein (p.Ser289Leu). This variant has not been reported in the literature in individuals affected with TAP2-related conditions. Algorithms developed to predict the effect of missense changes on protein structure and function are either unavailable or do not agree on the potential impact of this missense change (SIFT: "Tolerated"; PolyPhen-2: "Not Available"; Align-GVGD: "Class C0"). In summary, the available evidence is currently insufficient to determine the role of this variant in disease. Therefore, it has been classified as a Variant of Uncertain Significance.

NM_001290043.2(TAP2):c.866C>T (p.Ser289Leu)

Gene: TAP2 (transporter 2, ATP binding cassette subfamily B member; minus strand). Cytogenetic location: 6p21.32.
Variant type: single nucleotide variant.
Coding change: c.866C>T on transcript NM_001290043.2 (MANE Select); coding-DNA position 866, C replaced by T.
Protein change: p.Ser289Leu; replaces serine 289 with leucine.
Molecular consequence: missense variant.
Genome position (GRCh38, 1-based): chr6:32,835,233, G>A on the plus strand (C>T on the coding strand, the complement: TAP2 is on the minus strand). VCF-style: chr6-32835233-G-A. GRCh37 (hg19) VCF-style: chr6-32803010-G-A.
Other names: c.866C>T, p.Ser289Leu (NM_000544.3, NM_018833.3); short protein forms S289L.
Identifiers: ClinVar variation 2091745 (VCV002091745.4), dbSNP rs145822869, ClinGen allele CA3746048.
Genomic context (GRCh38, chr6:32,835,233, plus strand): 5'-ACCTTCTCCGCTGCTATTGTGAAGGGCATGTGCAGCAGAGAAAGGAGGGTGAGTCGAGGC[G>A]ATATGCTGAGCATGAAGCCATACAGCCCCACCACTTTCACCAGGCTTCGCAAGAGCACAT-3'
Protein context (NP_001276972.1, residues 279-299): VGLYGFMLSI[Ser289Leu]PRLTLLSLLH